The following is an entry in ClinVar:

NM_032447.5(FBN3):c.5792A>G (p.Asn1931Ser)

Gene: FBN3 (fibrillin 3; minus strand). Cytogenetic location: 19p13.2.
Variant type: single nucleotide variant.
Coding change: c.5792A>G on transcript NM_032447.5 (MANE Select); coding-DNA position 5792, A replaced by G.
Protein change: p.Asn1931Ser; replaces asparagine 1931 with serine.
Molecular consequence: missense variant.
Genome position (GRCh38, 1-based): chr19:8,094,559, T>C on the plus strand (A>G on the coding strand, the complement: FBN3 is on the minus strand). VCF-style: chr19-8094559-T-C. GRCh37 (hg19) VCF-style: chr19-8159443-T-C.
Other names: c.5792A>G, p.Asn1931Ser (NM_001321431.2); c.5792A>G (NM_032447.3); short protein forms N1931S.
Identifiers: ClinVar variation 1511989 (VCV001511989.9), dbSNP rs1460305589, ClinGen allele CA403725522.

ClinVar aggregate classification (germline): Uncertain significance. Review status: criteria provided, multiple submitters, no conflicts (2 of 4 stars). 2 submissions from 2 submitters: Uncertain significance (2). Last evaluated 2026-01-12.

Allele frequency attached by ClinVar (database versions not stated): TOPMed below 0.00001; gnomAD 0.00001; gnomAD exomes 0.00001.
gnomAD v4.1: 21 of 1,613,094 alleles (0.0013%); highest among the groups gnomAD compares: Admixed American, 0.0083%; no homozygotes.

Submissions (2):

Labcorp Genetics (formerly Invitae), Labcorp
Classification: Uncertain significance. Last evaluated: 2026-01-12. Review status: criteria provided, single submitter. Criteria: Invitae Variant Classification Sherloc (09022015). Collection method: clinical testing. Allele origin: germline.
Comment: This sequence change replaces asparagine, which is neutral and polar, with serine, which is neutral and polar, at codon 1931 of the FBN3 protein (p.Asn1931Ser). This variant is present in population databases (no rsID available, gnomAD 0.003%). This variant has not been reported in the literature in individuals affected with FBN3-related conditions. ClinVar contains an entry for this variant (Variation ID: 1511989). Invitae Evidence Modeling of protein sequence and biophysical properties (such as structural, functional, and spatial information, amino acid conservation, physicochemical variation, residue mobility, and thermodynamic stability) indicates that this missense variant is expected to disrupt FBN3 protein function with a positive predictive value of 80%. In summary, the available evidence is currently insufficient to determine the role of this variant in disease. Therefore, it has been classified as a Variant of Uncertain Significance.

Ambry Genetics
Classification: Uncertain significance. Last evaluated: 2021-08-17. Review status: criteria provided, single submitter. Criteria: Ambry Variant Classification Scheme 2023. Collection method: clinical testing. Allele origin: germline.